The following is an entry in ClinVar:

ClinVar aggregate classification (germline): Conflicting classifications of pathogenicity. Review status: criteria provided, conflicting classifications (1 of 4 stars). 2 submissions from 2 submitters: Uncertain significance (1); Likely benign (1). Last evaluated 2025-11-13.

Conditions:
Emery-Dreifuss muscular dystrophy 5, autosomal dominant (EDMD5). Also called: EMERY-DREIFUSS MUSCULAR DYSTROPHY 5. Identifiers: Orphanet 261, MedGen C2751805, MONDO:0013072, OMIM 612999.

gnomAD v4.1: 24 of 1,613,828 alleles (0.0015%); highest among the groups gnomAD compares: Non-Finnish European, 0.00093%; no homozygotes.

Submissions (2):

Labcorp Genetics (formerly Invitae), Labcorp
Classification: Uncertain significance for Emery-Dreifuss muscular dystrophy 5, autosomal dominant. Last evaluated: 2025-11-13. Review status: criteria provided, single submitter. Criteria: Invitae Variant Classification Sherloc (09022015). Collection method: clinical testing. Allele origin: germline.
Comment: This sequence change replaces threonine, which is neutral and polar, with alanine, which is neutral and non-polar, at codon 810 of the SYNE2 protein (p.Thr810Ala). This variant is present in population databases (rs761454726, gnomAD 0.05%), and has an allele count higher than expected for a pathogenic variant. This variant has not been reported in the literature in individuals affected with SYNE2-related conditions. ClinVar contains an entry for this variant (Variation ID: 3451933). An algorithm developed to predict the effect of missense changes on protein structure and function outputs the following: PolyPhen-2: "Benign". The alanine amino acid residue is found in multiple mammalian species, which suggests that this missense change does not adversely affect protein function. In summary, the available evidence is currently insufficient to determine the role of this variant in disease. Therefore, it has been classified as a Variant of Uncertain Significance.

Ambry Genetics
Classification: Likely benign. Last evaluated: 2024-12-07. Review status: criteria provided, single submitter. Criteria: Ambry Variant Classification Scheme 2023. Collection method: clinical testing. Allele origin: germline.

NM_182914.3(SYNE2):c.2428A>G (p.Thr810Ala)

Gene: SYNE2 (spectrin repeat containing nuclear envelope protein 2; plus strand). Cytogenetic location: 14q23.2.
Variant type: single nucleotide variant.
Coding change: c.2428A>G on transcript NM_182914.3 (MANE Select); coding-DNA position 2428, A replaced by G.
Protein change: p.Thr810Ala; replaces threonine 810 with alanine.
Molecular consequence: missense variant.
Genome position (GRCh38, 1-based): chr14:63,990,525, A>G. VCF-style: chr14-63990525-A-G. GRCh37 (hg19) VCF-style: chr14-64457243-A-G.
Other names: c.2428A>G, p.Thr810Ala (NM_015180.6); short protein forms T810A.
Identifiers: ClinVar variation 3451933 (VCV003451933.2).
Genomic context (GRCh38, chr14:63,990,525, plus strand): 5'-ATGTTACAAATGGATATACAAAATATTTCAAGCCAGGAGTCCTTTCAACATGTTCTCACA[A>G]CTGGGCTTCAGGCAAAGATTCAAGAAGCTAAAGAGAAAGTCCAGGTCTCTCTTTAATATT-3'
Protein context (NP_878918.2, residues 800-820): SQESFQHVLT[Thr810Ala]GLQAKIQEAK